The following is an entry in ClinVar:

NM_006767.4(LZTR1):c.2388T>G (p.Ile796Met)

Gene: LZTR1 (leucine zipper like post translational regulator 1; plus strand). Cytogenetic location: 22q11.21.
Variant type: single nucleotide variant.
Coding change: c.2388T>G on transcript NM_006767.4 (MANE Select); coding-DNA position 2388, T replaced by G.
Protein change: p.Ile796Met; replaces isoleucine 796 with methionine.
Molecular consequence: missense variant.
Genome position (GRCh38, 1-based): chr22:20,996,948, T>G. VCF-style: chr22-20996948-T-G. GRCh37 (hg19) VCF-style: chr22-21351237-T-G.
Other names: short protein forms I796M.
Identifiers: ClinVar variation 4744456 (VCV004744456.1).

ClinVar aggregate classification (germline): Uncertain significance (1 of 4 stars; one submission).

Submission:

Labcorp Genetics (formerly Invitae), Labcorp
Classification: Uncertain significance. Last evaluated: 2026-01-07. Review status: criteria provided, single submitter. Criteria: Invitae Variant Classification Sherloc (09022015). Collection method: clinical testing. Allele origin: germline.
Comment: This sequence change replaces isoleucine, which is neutral and non-polar, with methionine, which is neutral and non-polar, at codon 796 of the LZTR1 protein (p.Ile796Met). This variant is not present in population databases (gnomAD no frequency). This variant has not been reported in the literature in individuals affected with LZTR1-related conditions. Invitae Evidence Modeling of protein sequence and biophysical properties (such as structural, functional, and spatial information, amino acid conservation, physicochemical variation, residue mobility, and thermodynamic stability) indicates that this missense variant is not expected to disrupt LZTR1 protein function with a negative predictive value of 80%. This variant disrupts the p.Ile796 amino acid residue in LZTR1. Other variant(s) that disrupt this residue have been determined to be pathogenic (PMID: 31883238, 35352813; external communication, internal data). This suggests that this residue is clinically significant, and that variants that disrupt this residue are likely to be disease-causing. In summary, the available evidence is currently insufficient to determine the role of this variant in disease. Therefore, it has been classified as a Variant of Uncertain Significance.

Literature cited by the submitters: PubMed 31883238; PubMed 35352813.